The following is an entry in ClinVar:

NM_015599.3(PGM3):c.737dup (p.Asn246fs)

Gene: PGM3 (phosphoglucomutase 3; minus strand). Cytogenetic location: 6q14.1.
Variant type: Duplication.
Coding change: c.737dup on transcript NM_015599.3 (MANE Select); coding-DNA position 737, one base duplicated (A; older notation c.737dupA).
Protein change: p.Asn246fs; shifts the reading frame from asparagine 246.
Molecular consequence: frameshift variant. On other transcripts: non-coding transcript variant (1).
Genome position (GRCh38, 1-based): chr6:83,181,786, T duplicated on the plus strand (A on the coding strand, the reverse complement: PGM3 is on the minus strand); the first of 2 consecutive T bases (chr6:83,181,786-83,181,787); duplicating either gives the same sequence. VCF-style (leftmost placement, unchanged base first): chr6-83181785-A-AT. GRCh37 (hg19) VCF-style: chr6-83891504-A-AT.
Other names: c.821dup, p.Asn274fs (NM_001199917.2, NM_001367287.1); c.494dup, p.Asn165fs (NM_001199918.2); c.737dup, p.Asn246fs (NM_001199919.2, NM_001367286.1); short protein forms N165fs, N274fs, N246fs.
Identifiers: ClinVar variation 140734 (VCV000140734.2), dbSNP rs587777564, ClinGen allele CA163471.

ClinVar aggregate classification (germline): Pathogenic. Review status: criteria provided, single submitter (1 of 4 stars). 2 submissions from 2 submitters: Pathogenic (1). 1 of the submissions does not count toward it. Last evaluated 2014-07-03.

Conditions:
Immunodeficiency 23 (IMD23). Also called: IMMUNODEFICIENCY-VASCULITIS-MYOCLONUS SYNDROME; IMMUNODEFICIENCY WITH HYPER IgE AND COGNITIVE IMPAIRMENT. Identifiers: Orphanet 443811, MedGen C4014371, MONDO:0014353, OMIM 615816.

Submissions (2):

Lupski Lab, Baylor-Hopkins CMG, Baylor College of Medicine
Classification: Pathogenic for Immunodeficiency 23. Last evaluated: 2014-07-03. Review status: criteria provided, single submitter. Criteria: Stray-Pedersen et al. (AJHG 2014). Collection method: research. Allele origin: inherited. Inheritance: Autosomal recessive inheritance. Affected: yes and no. Observed: 2 variant alleles, 1 heterozygote, 1 compound heterozygote.
Comment: segregates with the phenotype in an affected family

OMIM
Classification: Pathogenic for IMMUNODEFICIENCY 23. Last evaluated: 2014-07-03. Review status: no assertion criteria provided. Collection method: literature only. Allele origin: germline. Not counted in ClinVar's aggregate classification.

Literature cited by the submitters: PubMed 24931394 (cited by OMIM).